The following is an entry in ClinVar:

NM_172362.3(KCNH1):c.2444A>G (p.Gln815Arg)

Gene: KCNH1 (potassium voltage-gated channel subfamily H member 1; minus strand). Cytogenetic location: 1q32.2.
Variant type: single nucleotide variant.
Coding change: c.2444A>G on transcript NM_172362.3 (MANE Select); coding-DNA position 2444, A replaced by G.
Protein change: p.Gln815Arg; replaces glutamine 815 with arginine.
Molecular consequence: missense variant.
Genome position (GRCh38, 1-based): chr1:210,683,807, T>C on the plus strand (A>G on the coding strand, the complement: KCNH1 is on the minus strand). VCF-style: chr1-210683807-T-C. GRCh37 (hg19) VCF-style: chr1-210857149-T-C.
Other names: c.2363A>G, p.Gln788Arg (NM_002238.4); short protein forms Q788R, Q815R.
Identifiers: ClinVar variation 2836741 (VCV002836741.3), dbSNP rs1574178101, ClinGen allele CA344871169.

ClinVar aggregate classification (germline): Uncertain significance (1 of 4 stars; one submission).

Allele frequency attached by ClinVar (database versions not stated): gnomAD 0.00001.
gnomAD v4.1: 1 of 1,613,702 alleles (0.000062%); highest among the groups gnomAD compares: African/African-American, 0.0013%; no homozygotes.

Submission:

Labcorp Genetics (formerly Invitae), Labcorp
Classification: Uncertain significance. Last evaluated: 2023-06-23. Review status: criteria provided, single submitter. Criteria: Invitae Variant Classification Sherloc (09022015). Collection method: clinical testing. Allele origin: germline.
Comment: This sequence change replaces glutamine, which is neutral and polar, with arginine, which is basic and polar, at codon 815 of the KCNH1 protein (p.Gln815Arg). This variant is not present in population databases (gnomAD no frequency). This variant has not been reported in the literature in individuals affected with KCNH1-related conditions. Advanced modeling of protein sequence and biophysical properties (such as structural, functional, and spatial information, amino acid conservation, physicochemical variation, residue mobility, and thermodynamic stability) performed at Invitae indicates that this missense variant is not expected to disrupt KCNH1 protein function. In summary, the available evidence is currently insufficient to determine the role of this variant in disease. Therefore, it has been classified as a Variant of Uncertain Significance.